The following is an entry in ClinVar:

NM_000504.4(F10):c.111G>A (p.Arg37=)

Genes: F10 (coagulation factor X; plus strand), F10-AS1 (F10 antisense RNA 1; minus strand). Cytogenetic location: 13q34.
Variant type: single nucleotide variant.
Coding change: c.111G>A on transcript NM_000504.4 (MANE Select); coding-DNA position 111, G replaced by A.
Protein change: p.Arg37=; no amino-acid change (arginine 37 retained).
Molecular consequence: synonymous variant.
Genome position (GRCh38, 1-based): chr13:113,129,492, G>A. VCF-style: chr13-113129492-G-A. GRCh37 (hg19) VCF-style: chr13-113783806-G-A.
Other names: c.111G>A, p.Arg37= (NM_001312674.2, NM_001312675.2).
Identifiers: ClinVar variation 717320 (VCV000717320.9), dbSNP rs115112448, ClinGen allele CA7060353.

ClinVar aggregate classification (germline): Benign. Review status: criteria provided, multiple submitters, no conflicts (2 of 4 stars). 3 submissions from 3 submitters: Benign (3). Last evaluated 2019-12-31.

Conditions:
Hereditary factor X deficiency disease. Also called: STUART-PROWER FACTOR DEFICIENCY; Congenital factor X deficiency. Identifiers: Orphanet 328, MedGen C0272327, MONDO:0009212, OMIM 227600.

Allele frequency attached by ClinVar (database versions not stated): gnomAD exomes 0.00061 and 0.00174; ExAC 0.00209; gnomAD 0.00608 and 0.00649; TOPMed 0.00734; 1000 Genomes Project 0.00739; 1000 Genomes Project 30x 0.00750; ESP Exome Variant Server 0.00830.
gnomAD v4.1: 1,845 of 1,614,026 alleles (0.11%); highest among the groups gnomAD compares: African/African-American, 2.2%; 23 homozygotes.

Submissions (3):

Labcorp Genetics (formerly Invitae), Labcorp
Classification: Benign. Last evaluated: 2019-12-31. Review status: criteria provided, single submitter. Criteria: Invitae Variant Classification Sherloc (09022015). Collection method: clinical testing. Allele origin: germline.

Illumina Laboratory Services, Illumina
Classification: Benign for Hereditary factor X deficiency disease. Last evaluated: 2018-01-12. Review status: criteria provided, single submitter. Criteria: ICSL Variant Classification Criteria 13 December 2019. Collection method: clinical testing. Allele origin: germline.
Comment: This variant was observed in the ICSL laboratory as part of a predisposition screen in an ostensibly healthy population. It had not been previously curated by ICSL or reported in the Human Gene Mutation Database (HGMD: prior to June 1st, 2018), and was therefore a candidate for classification through an automated scoring system. Utilizing variant allele frequency, disease prevalence and penetrance estimates, and inheritance mode, an automated score was calculated to assess if this variant is too frequent to cause the disease. Based on the score and internal cut-off values, a variant classified as benign is not then subjected to further curation. The score for this variant resulted in a classification of benign for this disease.

Breakthrough Genomics
Classification: Benign. Review status: criteria provided, single submitter. Criteria: ACMG Guidelines, 2015. Collection method: not provided. Allele origin: germline. Inheritance: Autosomal recessive inheritance. Affected: yes.